The following is an entry in ClinVar:

NM_000726.5(CACNB4):c.1233C>A (p.Thr411=)

Gene: CACNB4 (calcium voltage-gated channel auxiliary subunit beta 4; minus strand). Cytogenetic location: 2q23.3.
Variant type: single nucleotide variant.
Coding change: c.1233C>A on transcript NM_000726.5 (MANE Select); coding-DNA position 1233, C replaced by A.
Protein change: p.Thr411=; no amino-acid change (threonine 411 retained).
Molecular consequence: synonymous variant. On other transcripts: intron variant (1).
Genome position (GRCh38, 1-based): chr2:151,841,972, G>T on the plus strand (C>A on the coding strand, the complement: CACNB4 is on the minus strand). VCF-style: chr2-151841972-G-T. GRCh37 (hg19) VCF-style: chr2-152698486-G-T.
Other names: c.1179C>A, p.Thr393= (NM_001005746.4); c.1131C>A, p.Thr377= (NM_001005747.4); c.1092C>A, p.Thr364= (NM_001320722.3, NM_001330118.2); c.990C>A, p.Thr330= (NM_001330113.2); c.579C>A, p.Thr193= (NM_001330114.2); c.942C>A, p.Thr314= (NM_001330115.2); c.903C>A, p.Thr301= (NM_001330116.2); c.675C>A, p.Thr225= (NM_001330117.2); and 1 more.
Identifiers: ClinVar variation 3389655 (VCV003389655.14).

ClinVar aggregate classification (germline): Likely benign (1 of 4 stars; one submission).

Submission:

CeGaT Center for Human Genetics Tuebingen
Classification: Likely benign. Last evaluated: 2025-04-01. Review status: criteria provided, single submitter. Criteria: CeGaT Center For Human Genetics Tuebingen Variant Classification Criteria Version 2. Collection method: clinical testing. Allele origin: germline. Affected: yes. Observed: 1 variant allele.
Comment: CACNB4: PM2:Supporting, BP4, BP7